The following is an entry in ClinVar:

ClinVar aggregate classification (germline): Benign/Likely benign. Review status: criteria provided, multiple submitters, no conflicts (2 of 4 stars). 6 submissions from 6 submitters: Benign (1); Likely benign (4). 1 of the submissions does not count toward it. Last evaluated 2026-01-02.

Conditions:
Hereditary cancer-predisposing syndrome. Also called: Hereditary neoplastic syndrome; Neoplastic Syndromes, Hereditary; Tumor predisposition; Hereditary Cancer Syndrome. Identifiers: Orphanet 140162, MedGen C0027672, MeSH D009386, MONDO:0015356.
Hereditary nonpolyposis colorectal neoplasms. Identifiers: MedGen C0009405, MeSH D003123.
MSH6-related disorder. Also called: MSH6-related condition; MSH6-Related disorders.
Lynch syndrome. Identifiers: Orphanet 144, MedGen C4552100, MONDO:0005835. Disease mechanism: loss of function.
Lynch syndrome 5 (LYNCH5). Also called: Colorectal cancer, hereditary nonpolyposis, type 5; Hereditary non-polyposis colorectal cancer, type 5. Identifiers: Orphanet 144, MedGen C1833477, MONDO:0013710, OMIM 614350. Disease mechanism: loss of function.

Allele frequency attached by ClinVar (database versions not stated): gnomAD exomes below 0.00001 and 0.00001; TOPMed below 0.00001; ExAC 0.00001.
gnomAD v4.1: 1 of 1,614,188 alleles (0.000062%); highest among the groups gnomAD compares: East Asian, 0.0022%; no homozygotes.

Submissions (6):

Labcorp Genetics (formerly Invitae), Labcorp
Classification: Likely benign for Hereditary nonpolyposis colorectal neoplasms. Last evaluated: 2026-01-02. Review status: criteria provided, single submitter. Criteria: Invitae Variant Classification Sherloc (09022015). Collection method: clinical testing. Allele origin: germline.

Myriad Genetics, Inc.
Classification: Benign for Lynch syndrome 5. Last evaluated: 2024-12-27. Review status: criteria provided, single submitter. Criteria: Myriad Autosomal Dominant, Autosomal Recessive and X-Linked Classification Criteria (2023). Collection method: clinical testing. Allele origin: unknown.
Comment: This variant is considered benign. This variant is a silent/synonymous amino acid change and it is not expected to impact splicing.

All of Us Research Program, National Institutes of Health
Classification: Likely benign for Lynch syndrome. Last evaluated: 2023-05-04. Review status: criteria provided, single submitter. Criteria: ACMG Guidelines, 2015. Collection method: clinical testing. Allele origin: germline. Inheritance: Autosomal dominant inheritance. Observed: 2 variant alleles, 2 heterozygotes.
Comment: This study involves interpretation of variants in research participants for the purpose of population health screening. Participant phenotype was not available at the time of variant classification. Additional details can be found in publication PMID: 35346344, PMCID: PMC8962531

Ambry Genetics
Classification: Likely benign for Hereditary cancer-predisposing syndrome. Last evaluated: 2020-07-27. Review status: criteria provided, single submitter. Criteria: Ambry Variant Classification Scheme 2023. Collection method: clinical testing. Allele origin: germline.

Color Diagnostics, LLC DBA Color Health
Classification: Likely benign for Hereditary cancer-predisposing syndrome. Last evaluated: 2017-05-26. Review status: criteria provided, single submitter. Criteria: ACMG Guidelines, 2015. Collection method: clinical testing. Allele origin: germline.

PreventionGenetics, part of Exact Sciences
Classification: Likely benign for MSH6-related condition. Last evaluated: 2024-06-18. Review status: no assertion criteria provided. Collection method: clinical testing. Allele origin: germline. Not counted in ClinVar's aggregate classification.
Comment: This variant is classified as likely benign based on ACMG/AMP sequence variant interpretation guidelines (Richards et al. 2015 PMID: 25741868, with internal and published modifications).

NM_000179.3(MSH6):c.1581G>A (p.Leu527=)

Gene: MSH6 (mutS homolog 6; plus strand). Cytogenetic location: 2p16.3.
Variant type: single nucleotide variant.
Coding change: c.1581G>A on transcript NM_000179.3 (MANE Select); coding-DNA position 1581, G replaced by A.
Protein change: p.Leu527=; no amino-acid change (leucine 527 retained).
Molecular consequence: synonymous variant.
Genome position (GRCh38, 1-based): chr2:47,799,564, G>A. VCF-style: chr2-47799564-G-A. GRCh37 (hg19) VCF-style: chr2-48026703-G-A.
Other names: c.1191G>A, p.Leu397= (NM_001281492.2); c.675G>A, p.Leu225= (NM_001281493.2, NM_001281494.2).
Identifiers: ClinVar variation 215642 (VCV000215642.21), dbSNP rs775618855, ClinGen allele CA067866.